The following is an entry in ClinVar:

ClinVar aggregate classification (germline): Conflicting classifications of pathogenicity. Review status: criteria provided, conflicting classifications (1 of 4 stars). 8 submissions from 8 submitters: Uncertain significance (1); Likely benign (7). Last evaluated 2026-01-03.

Conditions:
Cardiovascular phenotype. Identifiers: MedGen CN230736.
Alstrom syndrome (ALMS). Identifiers: Orphanet 64, MedGen C0268425, MONDO:0008763, OMIM 203800.

Allele frequency attached by ClinVar (database versions not stated): gnomAD 0.00009 and 0.00010; TOPMed 0.00010; gnomAD exomes 0.00011 and 0.00027; ExAC 0.00012; ESP Exome Variant Server 0.00025.
gnomAD v4.1: 433 of 1,613,742 alleles (0.027%); highest among the groups gnomAD compares: Non-Finnish European, 0.032%; no homozygotes.

Submissions (8):

Labcorp Genetics (formerly Invitae), Labcorp
Classification: Likely benign for Alstrom syndrome. Last evaluated: 2026-01-03. Review status: criteria provided, single submitter. Criteria: Invitae Variant Classification Sherloc (09022015). Collection method: clinical testing. Allele origin: germline.

Women's Health and Genetics/Laboratory Corporation of America, LabCorp
Classification: Likely benign. Last evaluated: 2025-11-21. Review status: criteria provided, single submitter. Criteria: LabCorp Variant Classification Summary - May 2015. Collection method: clinical testing. Allele origin: germline.

Blueprint Genetics
Classification: Likely benign. Last evaluated: 2024-09-06. Review status: criteria provided, single submitter. Criteria: ACMG Guidelines, 2015. Collection method: clinical testing. Allele origin: germline.

CeGaT Center for Human Genetics Tuebingen
Classification: Likely benign. Last evaluated: 2022-07-01. Review status: criteria provided, single submitter. Criteria: CeGaT Center For Human Genetics Tuebingen Variant Classification Criteria Version 2. Collection method: clinical testing. Allele origin: germline. Affected: yes. Observed: 1 variant allele.
Comment: ALMS1: BP4, BP7

Ambry Genetics
Classification: Likely benign for Cardiovascular phenotype. Last evaluated: 2021-12-14. Review status: criteria provided, single submitter. Criteria: Ambry Variant Classification Scheme 2023. Collection method: clinical testing. Allele origin: germline.

GeneDx
Classification: Likely benign. Last evaluated: 2019-04-18. Review status: criteria provided, single submitter. Criteria: GeneDx Variant Classification Process June 2021. Collection method: clinical testing. Allele origin: germline. Affected: yes.

Eurofins Ntd Llc (ga)
Classification: Uncertain significance. Last evaluated: 2017-12-20. Review status: criteria provided, single submitter. Criteria: EGL Classification Definitions 2015. Collection method: clinical testing. Allele origin: germline. Observed: 1 variant allele, 1 heterozygote.

Laboratory for Molecular Medicine, Mass General Brigham Personalized Medicine
Classification: Likely benign. Last evaluated: 2017-08-23. Review status: criteria provided, single submitter. Criteria: LMM Criteria. Collection method: clinical testing. Allele origin: germline. Observed: 1 variant allele.
Comment: p.Thr2178Thr in exon 8 of ALMS1: This variant is not expected to have clinical significance because it does not alter an amino acid residue and is not located within the splice consensus sequence. It has been identified in 0.02% (13/66518) of European chromosomes by the Exome Aggregation Consortium (ExAC; dbSNP rs371511963).

NM_001378454.1(ALMS1):c.6537C>T (p.Thr2179=)

Gene: ALMS1 (ALMS1 centrosome and basal body associated protein; plus strand). Cytogenetic location: 2p13.1.
Variant type: single nucleotide variant.
Coding change: c.6537C>T on transcript NM_001378454.1 (MANE Select); coding-DNA position 6537, C replaced by T.
Protein change: p.Thr2179=; no amino-acid change (threonine 2179 retained).
Molecular consequence: synonymous variant.
Genome position (GRCh38, 1-based): chr2:73,453,064, C>T. VCF-style: chr2-73453064-C-T. GRCh37 (hg19) VCF-style: chr2-73680191-C-T.
Other names: c.6540C>T, p.Thr2180= (NM_015120.4).
Identifiers: ClinVar variation 389818 (VCV000389818.56), dbSNP rs371511963, ClinGen allele CA1714080.